The following is an entry in ClinVar:

ClinVar aggregate classification (germline): Uncertain significance (1 of 4 stars; one submission).

Submission:

Labcorp Genetics (formerly Invitae), Labcorp
Classification: Uncertain significance. Last evaluated: 2022-08-10. Review status: criteria provided, single submitter. Criteria: Invitae Variant Classification Sherloc (09022015). Collection method: clinical testing. Allele origin: germline.
Comment: This sequence change replaces serine, which is neutral and polar, with glycine, which is neutral and non-polar, at codon 2392 of the SZT2 protein (p.Ser2392Gly). In summary, the available evidence is currently insufficient to determine the role of this variant in disease. Therefore, it has been classified as a Variant of Uncertain Significance. Algorithms developed to predict the effect of sequence changes on RNA splicing suggest that this variant may disrupt the consensus splice site. Algorithms developed to predict the effect of missense changes on protein structure and function (SIFT, PolyPhen-2, Align-GVGD) all suggest that this variant is likely to be tolerated. ClinVar contains an entry for this variant (Variation ID: 859002). This variant has not been reported in the literature in individuals affected with SZT2-related conditions. This variant is not present in population databases (gnomAD no frequency).

NM_001365999.1(SZT2):c.7345A>G (p.Ser2449Gly)

Gene: SZT2 (SZT2 subunit of KICSTOR complex; plus strand). Cytogenetic location: 1p34.2.
Variant type: single nucleotide variant.
Coding change: c.7345A>G on transcript NM_001365999.1 (MANE Select); coding-DNA position 7345, A replaced by G.
Protein change: p.Ser2449Gly; replaces serine 2449 with glycine.
Molecular consequence: missense variant.
Genome position (GRCh38, 1-based): chr1:43,441,214, A>G. VCF-style: chr1-43441214-A-G. GRCh37 (hg19) VCF-style: chr1-43906885-A-G.
Other names: c.7174A>G, p.Ser2392Gly (NM_015284.4); short protein forms S2449G, S2392G.
Identifiers: ClinVar variation 859002 (VCV000859002.11), dbSNP rs1655024142, ClinGen allele CA340034499.